The following is an entry in ClinVar:

ClinVar aggregate classification (germline): Uncertain significance. Review status: criteria provided, multiple submitters, no conflicts (2 of 4 stars). 2 submissions from 2 submitters: Uncertain significance (2). Last evaluated 2024-06-13.

Conditions:
Familial cancer of breast. Also called: hereditary breast carcinoma; BREAST CANCER, FAMILIAL; Hereditary breast cancer. Identifiers: Orphanet 227535, MedGen C0346153, MONDO:0016419, OMIM 114480. Disease mechanism: loss of function.

Submissions (2):

Labcorp Genetics (formerly Invitae), Labcorp
Classification: Uncertain significance for Familial cancer of breast. Last evaluated: 2024-06-13. Review status: criteria provided, single submitter. Criteria: Invitae Variant Classification Sherloc (09022015). Collection method: clinical testing. Allele origin: germline.
Comment: This sequence change replaces isoleucine, which is neutral and non-polar, with threonine, which is neutral and polar, at codon 888 of the PALB2 protein (p.Ile888Thr). This variant is not present in population databases (gnomAD no frequency). This variant has not been reported in the literature in individuals affected with PALB2-related conditions. ClinVar contains an entry for this variant (Variation ID: 2646325). Advanced modeling of protein sequence and biophysical properties (such as structural, functional, and spatial information, amino acid conservation, physicochemical variation, residue mobility, and thermodynamic stability) performed at Invitae indicates that this missense variant is expected to disrupt PALB2 protein function with a positive predictive value of 80%. In summary, the available evidence is currently insufficient to determine the role of this variant in disease. Therefore, it has been classified as a Variant of Uncertain Significance.

CeGaT Center for Human Genetics Tuebingen
Classification: Uncertain significance. Last evaluated: 2023-03-01. Review status: criteria provided, single submitter. Criteria: CeGaT Center For Human Genetics Tuebingen Variant Classification Criteria Version 2. Collection method: clinical testing. Allele origin: germline. Affected: yes. Observed: 1 variant allele.
Comment: PALB2: PM2, BP1

NM_024675.4(PALB2):c.2663T>C (p.Ile888Thr)

Gene: PALB2 (partner and localizer of BRCA2; minus strand). Cytogenetic location: 16p12.2.
Variant type: single nucleotide variant.
Coding change: c.2663T>C on transcript NM_024675.4 (MANE Select); coding-DNA position 2663, T replaced by C.
Protein change: p.Ile888Thr; replaces isoleucine 888 with threonine.
Molecular consequence: missense variant. On other transcripts: intron variant (3).
Genome position (GRCh38, 1-based): chr16:23,626,321, A>G on the plus strand (T>C on the coding strand, the complement: PALB2 is on the minus strand). VCF-style: chr16-23626321-A-G. GRCh37 (hg19) VCF-style: chr16-23637642-A-G.
Other names: c.2603T>C, p.Ile868Thr (NM_001407296.1); c.2591T>C, p.Ile864Thr (NM_001407297.1); c.2663T>C, p.Ile888Thr (NM_001407299.1, NM_001407300.1, NM_001407301.1); c.1778T>C, p.Ile593Thr (NM_001407304.1, NM_001407305.1, NM_001407306.1 and 4 more transcripts); c.875T>C, p.Ile292Thr (NM_001407312.1, NM_001407313.1); c.197T>C, p.Ile66Thr (NM_001407314.1); c.2587-2227T>C (NM_001407302.1, NM_001407298.1); c.1702-2227T>C (NM_001407307.1); short protein forms I292T, I593T, I66T, I864T, I868T, I888T.
Identifiers: ClinVar variation 2646325 (VCV002646325.26), dbSNP rs2142354807, ClinGen allele CA395122078.